The following is an entry in ClinVar:

ClinVar aggregate classification (germline): Pathogenic (1 of 4 stars; one submission).

Submission:

Labcorp Genetics (formerly Invitae), Labcorp
Classification: Pathogenic. Last evaluated: 2021-05-16. Review status: criteria provided, single submitter. Criteria: Invitae Variant Classification Sherloc (09022015). Collection method: clinical testing. Allele origin: germline.
Comment: This sequence change creates a premature translational stop signal (p.Pro361Glnfs*41) in the COL4A3 gene. It is expected to result in an absent or disrupted protein product. Loss-of-function variants in COL4A3 are known to be pathogenic (PMID: 8956999, 24854265, 26809805, 27281700). This variant is not present in population databases (ExAC no frequency). This variant has not been reported in the literature in individuals with COL4A3-related conditions. For these reasons, this variant has been classified as Pathogenic.

Literature cited by the submitters: PubMed 8956999; PubMed 24854265; PubMed 26809805; PubMed 27281700.

NM_000091.5(COL4A3):c.1077_1081dup (p.Pro361fs)

Genes: COL4A3 (collagen type IV alpha 3 chain; plus strand), MFF-DT (MFF divergent transcript; minus strand). Cytogenetic location: 2q36.3.
Variant type: Duplication.
Coding change: c.1077_1081dup on transcript NM_000091.5 (MANE Select); coding-DNA positions 1077 to 1081, 5 bases duplicated (AGGCC; older notation c.1077_1081dupAGGCC).
Protein change: p.Pro361fs; shifts the reading frame from proline 361.
Molecular consequence: frameshift variant.
Genome position (GRCh38, 1-based): chr2:227,259,840-227,259,844, AGGCC duplicated; duplicating any 5 consecutive bases within chr2:227,259,838-227,259,844 gives the same sequence; the c. name uses the placement nearest the transcript's 3' end. VCF-style (leftmost placement, unchanged base first): chr2-227259837-T-TCCAGG. GRCh37 (hg19) VCF-style: chr2-228124553-T-TCCAGG.
Other names: short protein forms P361fs.
Identifiers: ClinVar variation 1452495 (VCV001452495.6), dbSNP rs2125956496, ClinGen allele CA2573135446.